The following is an entry in ClinVar:

NM_000553.6(WRN):c.2839T>C (p.Tyr947His)

Gene: WRN (WRN RecQ like helicase; plus strand). Cytogenetic location: 8p12.
Variant type: single nucleotide variant.
Coding change: c.2839T>C on transcript NM_000553.6 (MANE Select); coding-DNA position 2839, T replaced by C.
Protein change: p.Tyr947His; replaces tyrosine 947 with histidine.
Molecular consequence: missense variant.
Genome position (GRCh38, 1-based): chr8:31,132,378, T>C. VCF-style: chr8-31132378-T-C. GRCh37 (hg19) VCF-style: chr8-30989894-T-C.
Other names: short protein forms Y947H.
Identifiers: ClinVar variation 999219 (VCV000999219.3), dbSNP rs760584509, ClinGen allele CA174888567.

ClinVar aggregate classification (germline): Uncertain significance (1 of 4 stars; one submission).

Conditions:
Werner syndrome (WRN). Identifiers: Orphanet 902, MedGen C0043119, MONDO:0010196, OMIM 277700.

Submission:

Labcorp Genetics (formerly Invitae), Labcorp
Classification: Uncertain significance for Werner syndrome. Last evaluated: 2020-08-20. Review status: criteria provided, single submitter. Criteria: Invitae Variant Classification Sherloc (09022015). Collection method: clinical testing. Allele origin: germline.
Comment: In summary, the available evidence is currently insufficient to determine the role of this variant in disease. Therefore, it has been classified as a Variant of Uncertain Significance. Algorithms developed to predict the effect of missense changes on protein structure and function output the following: SIFT: "Not Available"; PolyPhen-2: "Benign"; Align-GVGD: "Not Available". The histidine amino acid residue is found in multiple mammalian species, suggesting that this missense change does not adversely affect protein function. These predictions have not been confirmed by published functional studies and their clinical significance is uncertain. This variant has not been reported in the literature in individuals with WRN-related conditions. This variant is not present in population databases (ExAC no frequency). This sequence change replaces tyrosine with histidine at codon 947 of the WRN protein (p.Tyr947His). The tyrosine residue is weakly conserved and there is a moderate physicochemical difference between tyrosine and histidine.